The following is an entry in ClinVar:

NM_004260.4(RECQL4):c.198del (p.Ala67fs)

Gene: RECQL4 (RecQ like helicase 4; minus strand). Cytogenetic location: 8q24.3.
Variant type: Deletion.
Coding change: c.198del on transcript NM_004260.4 (MANE Select); coding-DNA position 198, one base deleted (C; older notation c.198delC).
Protein change: p.Ala67fs; shifts the reading frame from alanine 67.
Molecular consequence: frameshift variant. On other transcripts: 5 prime UTR variant (16), non-coding transcript variant (3), intron variant (2).
Genome position (GRCh38, 1-based): chr8:144,517,429, G deleted on the plus strand (C on the coding strand, the reverse complement: RECQL4 is on the minus strand); the first of 4 consecutive G bases (chr8:144,517,429-144,517,432); deleting any one gives the same sequence. VCF-style (leftmost placement, unchanged base first): chr8-144517428-CG-C. GRCh37 (hg19) VCF-style: chr8-145742812-CG-C.
Other names: c.198del, p.Ala67fs (NM_001413017.1, NM_001413018.1, NM_001413019.1 and 5 more transcripts); c.-523del (NM_001413021.1); c.-874del (NM_001413022.1, NM_001413023.1, NM_001413037.1 and 2 more transcripts); c.-771del (NM_001413024.1, NM_001413035.1); c.-936del (NM_001413027.1, NM_001413030.1, NM_001413031.1 and 1 more transcripts); c.-599del (NM_001413028.1); c.-833del (NM_001413032.1); c.-778del (NM_001413034.1); and 3 more; short protein forms A67fs.
Identifiers: ClinVar variation 2743890 (VCV002743890.3), dbSNP rs2538121557, ClinGen allele CA2689129130.

ClinVar aggregate classification (germline): Pathogenic (1 of 4 stars; one submission).

Conditions:
Baller-Gerold syndrome (BGS). Also called: CRANIOSYNOSTOSIS WITH RADIAL DEFECTS. Identifiers: Orphanet 1225, MedGen C0265308, MONDO:0009039, OMIM 218600.

Submission:

Labcorp Genetics (formerly Invitae), Labcorp
Classification: Pathogenic for Baller-Gerold syndrome. Last evaluated: 2023-07-16. Review status: criteria provided, single submitter. Criteria: Invitae Variant Classification Sherloc (09022015). Collection method: clinical testing. Allele origin: germline.
Comment: For these reasons, this variant has been classified as Pathogenic. This variant has not been reported in the literature in individuals affected with RECQL4-related conditions. This variant is not present in population databases (gnomAD no frequency). This sequence change creates a premature translational stop signal (p.Ala67Argfs*16) in the RECQL4 gene. It is expected to result in an absent or disrupted protein product. Loss-of-function variants in RECQL4 are known to be pathogenic (PMID: 12734318, 12952869).

Literature cited by the submitters: PubMed 12734318; PubMed 12952869.